The following is an entry in ClinVar:

NM_000092.5(COL4A4):c.2638G>T (p.Ala880Ser)

Gene: COL4A4 (collagen type IV alpha 4 chain; minus strand). Cytogenetic location: 2q36.3.
Variant type: single nucleotide variant.
Coding change: c.2638G>T on transcript NM_000092.5 (MANE Select); coding-DNA position 2638, G replaced by T.
Protein change: p.Ala880Ser; replaces alanine 880 with serine.
Molecular consequence: missense variant.
Genome position (GRCh38, 1-based): chr2:227,056,023, C>A on the plus strand (G>T on the coding strand, the complement: COL4A4 is on the minus strand). VCF-style: chr2-227056023-C-A. GRCh37 (hg19) VCF-style: chr2-227920739-C-A.
Other names: short protein forms A880S.
Identifiers: ClinVar variation 4800354 (VCV004800354.1).
Genomic context (GRCh38, chr2:227,056,023, plus strand): 5'-CAGGTAGCCCATCATCTCCAAAGGGACCTGGGATTCCTGGGAGGCCTGGGGGACCATGTG[C>A]CCCAGGCCGTCCTGGGAGTCCGGGGAGGCCTTTCATTCCAGCTGGCCCGGGAGGCCCCAC-3'
Protein context (NP_000083.3, residues 870-890): GLPGLPGRPG[Ala880Ser]HGPPGLPGIP

ClinVar aggregate classification (germline): Uncertain significance (1 of 4 stars; one submission).

Submission:

Labcorp Genetics (formerly Invitae), Labcorp
Classification: Uncertain significance. Last evaluated: 2025-05-14. Review status: criteria provided, single submitter. Criteria: Invitae Variant Classification Sherloc (09022015). Collection method: clinical testing. Allele origin: germline.
Comment: This sequence change replaces alanine, which is neutral and non-polar, with serine, which is neutral and polar, at codon 880 of the COL4A4 protein (p.Ala880Ser). This variant is not present in population databases (gnomAD no frequency). This variant has not been reported in the literature in individuals affected with COL4A4-related conditions. Invitae Evidence Modeling of protein sequence and biophysical properties (such as structural, functional, and spatial information, amino acid conservation, physicochemical variation, residue mobility, and thermodynamic stability) indicates that this missense variant is not expected to disrupt COL4A4 protein function with a negative predictive value of 95%. In summary, the available evidence is currently insufficient to determine the role of this variant in disease. Therefore, it has been classified as a Variant of Uncertain Significance.